The following is an entry in ClinVar:

ClinVar aggregate classification (germline): Pathogenic (1 of 4 stars; one submission).

Conditions:
CEP290-related ciliopathy. Also called: CEP290 ciliopathy. Identifiers: MedGen CN305601, MONDO:0100451.

Submission:

Myriad Genetics, Inc.
Classification: Pathogenic for CEP290-related ciliopathy. Last evaluated: 2025-11-15. Review status: criteria provided, single submitter. Criteria: Myriad Autosomal Dominant, Autosomal Recessive and X-Linked Classification Criteria (2023). Collection method: clinical testing. Allele origin: unknown.
Comment: NM_025114.3(CEP290):c.1341dupG(L448Vfs*5) is expected to be pathogenic in the context of CEP290-related disorders. This variant is predicted to lead to an abnormal or absent protein product due to the creation of a premature termination codon in CEP290, a gene where loss-of-function variants are known to be pathogenic. Please note: this variant was assessed in the context of healthy population screening.

NM_025114.4(CEP290):c.1341dup (p.Leu448fs)

Gene: CEP290 (centrosomal protein 290; minus strand). Cytogenetic location: 12q21.32.
Variant type: Duplication.
Coding change: c.1341dup on transcript NM_025114.4 (MANE Select); coding-DNA position 1341, one base duplicated (G; older notation c.1341dupG).
Protein change: p.Leu448fs; shifts the reading frame from leucine 448.
Molecular consequence: frameshift variant.
Genome position (GRCh38, 1-based): chr12:88,121,015, C duplicated on the plus strand (G on the coding strand, the reverse complement: CEP290 is on the minus strand); the first of 2 consecutive C bases (chr12:88,121,015-88,121,016); duplicating either gives the same sequence. VCF-style (leftmost placement, unchanged base first): chr12-88121014-A-AC. GRCh37 (hg19) VCF-style: chr12-88514791-A-AC.
Other names: short protein forms L448fs.
Identifiers: ClinVar variation 5015222 (VCV005015222.1).
Genomic context (GRCh38, chr12:88,121,014, plus strand): 5'-GAATAATTCTAAGCTCCTTGAATGACAAGATAAAAATACATACCGATTCATAATCTTTTA[A>AC]CCTCTTCAGAGCCTCAACTAATTCTTTATCCTTTTCCCTAGCATCAGCCTCAGCCAGTTC-3'